The following is an entry in ClinVar:

NM_001379110.1(SLC9A6):c.534G>A (p.Met178Ile)

Gene: SLC9A6 (solute carrier family 9 member A6; plus strand). Cytogenetic location: Xq26.3.
Variant type: single nucleotide variant.
Coding change: c.534G>A on transcript NM_001379110.1 (MANE Select); coding-DNA position 534, G replaced by A.
Protein change: p.Met178Ile; replaces methionine 178 with isoleucine.
Molecular consequence: missense variant.
Genome position (GRCh38, 1-based): chrX:135,998,865, G>A. VCF-style: chrX-135998865-G-A. GRCh37 (hg19) VCF-style: chrX-135081024-G-A.
Other names: c.690G>A, p.Met230Ile (NM_001042537.2); c.534G>A, p.Met178Ile (NM_001177651.2); c.438G>A, p.Met146Ile (NM_001330652.2); c.594G>A, p.Met198Ile (NM_006359.3); short protein forms M178I, M146I, M198I, M230I.
Identifiers: ClinVar variation 1359187 (VCV001359187.16), dbSNP rs186896302, ClinGen allele CA414750078.

ClinVar aggregate classification (germline): Uncertain significance. Review status: criteria provided, multiple submitters, no conflicts (2 of 4 stars). 2 submissions from 2 submitters: Uncertain significance (2). Last evaluated 2025-08-04.

Conditions:
Christianson syndrome (MRXSCH). Also called: SLC9A6-Related Syndromic Mental Retardation; INTELLECTUAL DEVELOPMENTAL DISORDER, X-LINKED, SYNDROMIC, CHRISTIANSON TYPE; X-linked mental retardation, syndromic, Christianson type. Identifiers: Orphanet 85278, MedGen C2678194, MONDO:0010278, OMIM 300243.

Submissions (2):

Labcorp Genetics (formerly Invitae), Labcorp
Classification: Uncertain significance for Christianson syndrome. Last evaluated: 2025-08-04. Review status: criteria provided, single submitter. Criteria: Invitae Variant Classification Sherloc (09022015). Collection method: clinical testing. Allele origin: germline.
Comment: This sequence change replaces methionine, which is neutral and non-polar, with isoleucine, which is neutral and non-polar, at codon 198 of the SLC9A6 protein (p.Met198Ile). This variant is not present in population databases (gnomAD no frequency). This variant has not been reported in the literature in individuals affected with SLC9A6-related conditions. ClinVar contains an entry for this variant (Variation ID: 1359187). Invitae Evidence Modeling of protein sequence and biophysical properties (such as structural, functional, and spatial information, amino acid conservation, physicochemical variation, residue mobility, and thermodynamic stability) indicates that this missense variant is not expected to disrupt SLC9A6 protein function with a negative predictive value of 80%. In summary, the available evidence is currently insufficient to determine the role of this variant in disease. Therefore, it has been classified as a Variant of Uncertain Significance.

CeGaT Center for Human Genetics Tuebingen
Classification: Uncertain significance. Last evaluated: 2025-07-01. Review status: criteria provided, single submitter. Criteria: CeGaT Center For Human Genetics Tuebingen Variant Classification Criteria Version 2. Collection method: clinical testing. Allele origin: germline. Affected: yes. Observed: 1 variant allele.
Comment: SLC9A6: PM2